The following is an entry in ClinVar:

ClinVar aggregate classification (germline): Likely pathogenic (1 of 4 stars; one submission).

Submission:

GeneDx
Classification: Likely pathogenic. Last evaluated: 2025-02-07. Review status: criteria provided, single submitter. Criteria: GeneDx Variant Classification Process June 2021. Collection method: clinical testing. Allele origin: germline. Affected: yes.
Comment: Frameshift variant predicted to result in protein truncation or nonsense mediated decay in a gene for which loss of function is a known mechanism of disease; Not observed at significant frequency in large population cohorts (gnomAD); This variant is associated with the following publications: (PMID: 12016585)

NM_000501.4(ELN):c.1238del (p.Gly413fs)

Gene: ELN (elastin; plus strand). Cytogenetic location: 7q11.23.
Variant type: Deletion.
Coding change: c.1238del on transcript NM_000501.4 (MANE Select); coding-DNA position 1238, one base deleted (G; older notation c.1238delG).
Protein change: p.Gly413fs; shifts the reading frame from glycine 413.
Molecular consequence: frameshift variant. On other transcripts: splice donor variant (2).
Genome position (GRCh38, 1-based): chr7:74,056,358, G deleted; the last of 2 consecutive G bases (chr7:74,056,357-74,056,358); deleting either gives the same sequence. VCF-style (leftmost placement, unchanged base first): chr7-74056356-AG-A. GRCh37 (hg19) VCF-style: chr7-73470686-AG-A.
Other names: c.1208del, p.Gly403fs (NM_001081752.3, NM_001278917.2); c.1253del, p.Gly418fs (NM_001081753.3, NM_001081754.3); c.1238del, p.Gly413fs (NM_001081755.3, NM_001278912.2, NM_001278915.2 and 1 more transcripts); c.1223del, p.Gly408fs (NM_001278914.2); c.1196del, p.Gly399fs (NM_001278916.2); c.1129+1del (NM_001278913.2); c.1105+1del (NM_001278918.2); short protein forms G399fs, G403fs, G408fs, G413fs, G418fs.
Identifiers: ClinVar variation 4074339 (VCV004074339.1).